The following is an entry in ClinVar:

ClinVar aggregate classification (germline): Likely benign (1 of 4 stars; one submission).

Conditions:
Majeed syndrome (MJDS). Also called: CHRONIC RECURRENT MULTIFOCAL OSTEOMYELITIS 1, WITH CONGENITAL DYSERYTHROPOIETIC ANEMIA, WITH OR WITHOUT NEUTROPHILIC DERMATOSIS; LPIN2-Related Majeed Syndrome. Identifiers: Orphanet 77297, MedGen C1864997, MONDO:0012316, OMIM 609628.

Allele frequency attached by ClinVar (database versions not stated): TOPMed 0.00022; gnomAD 0.00025 and 0.00027; 1000 Genomes Project 30x 0.00062; 1000 Genomes Project 0.00080.

Submission:

Illumina Laboratory Services, Illumina
Classification: Likely benign for Majeed syndrome. Last evaluated: 2018-01-13. Review status: criteria provided, single submitter. Criteria: ICSL Variant Classification Criteria 13 December 2019. Collection method: clinical testing. Allele origin: germline.
Comment: This variant was observed in the ICSL laboratory as part of a predisposition screen in an ostensibly healthy population. It had not been previously curated by ICSL or reported in the Human Gene Mutation Database (HGMD: prior to June 1st, 2018), and was therefore a candidate for classification through an automated scoring system. Utilizing variant allele frequency, disease prevalence and penetrance estimates, and inheritance mode, an automated score was calculated to assess if this variant is too frequent to cause the disease. Based on the score and internal cut-off values, a variant classified as likely benign is not then subjected to further curation. The score for this variant resulted in a classification of likely benign for this disease.

NM_001375808.2(LPIN2):c.*2390C>T

Gene: LPIN2 (lipin 2; minus strand). Cytogenetic location: 18p11.31.
Variant type: single nucleotide variant.
Coding change: c.*2390C>T on transcript NM_001375808.2 (MANE Select); 2390 bases downstream of the stop codon, C replaced by T.
Molecular consequence: 3 prime UTR variant.
Genome position (GRCh38, 1-based): chr18:2,917,903, G>A on the plus strand (C>T on the coding strand, the complement: LPIN2 is on the minus strand). VCF-style: chr18-2917903-G-A. GRCh37 (hg19) VCF-style: chr18-2917901-G-A.
Other names: c.*2390C>T (NM_001375809.1, NM_014646.2).
Identifiers: ClinVar variation 326570 (VCV000326570.5), dbSNP rs555969171, ClinGen allele CA10647370.